The following is an entry in ClinVar:

ClinVar aggregate classification (germline): Uncertain significance (1 of 4 stars; one submission).

Submission:

Women's Health and Genetics/Laboratory Corporation of America, LabCorp
Classification: Uncertain significance. Last evaluated: 2021-07-26. Review status: criteria provided, single submitter. Criteria: LabCorp Variant Classification Summary - May 2015. Collection method: clinical testing. Allele origin: germline.
Comment: Variant summary: BRCA2 c.344_349delinsCTA (p.Lys115_Leu117delinsThrIle) results in an in-frame deletion-insertion that is predicted to delete three amino acids from the protein and also cause inserting two amino acids. The variant was absent in 251004 control chromosomes (gnomAD). The available data on variant occurrences in the general population are insufficient to allow any conclusion about variant significance. To our knowledge, no occurrence of c.344_349delinsCTA in individuals affected with Hereditary Breast And Ovarian Cancer Syndrome and no experimental evidence demonstrating its impact on protein function have been reported. No clinical diagnostic laboratories have submitted clinical-significance assessments for this variant to ClinVar after 2014. Based on the evidence outlined above, the variant was classified as uncertain significance.

NM_000059.4(BRCA2):c.344_349delinsCTA (p.Lys115_Leu117delinsThrIle)

Gene: BRCA2 (BRCA2 DNA repair associated; plus strand). Cytogenetic location: 13q13.1.
Variant type: Indel.
Coding change: c.344_349delinsCTA on transcript NM_000059.4 (MANE Select); coding-DNA positions 344 to 349, AAAGTC replaced by CTA.
Protein change: p.Lys115_Leu117delinsThrIle.
Molecular consequence: inframe indel.
Genome position (GRCh38, 1-based): chr13:32,325,103-32,325,108, AAAGTC replaced by CTA. VCF-style: chr13-32325103-AAAGTC-CTA. GRCh37 (hg19) VCF-style: chr13-32899240-AAAGTC-CTA.
Identifiers: ClinVar variation 1192220 (VCV001192220.1), dbSNP rs2137446242, ClinGen allele CA2499222023.